The following is an entry in ClinVar:

ClinVar aggregate classification (germline): Conflicting classifications of pathogenicity. Review status: criteria provided, conflicting classifications (1 of 4 stars). 2 submissions from 2 submitters: Likely pathogenic (1); Uncertain significance (1). Last evaluated 2026-04-28.

Conditions:
Hereditary insensitivity to pain with anhidrosis (CIPA). Also called: INSENSITIVITY TO PAIN, CONGENITAL, WITH ANHIDROSIS; FAMILIAL DYSAUTONOMIA, TYPE II; NEUROPATHY, CONGENITAL SENSORY, WITH ANHIDROSIS; HSAN Type IV; hereditary sensory and autonomic neuropathy type 4; NTRK1 Congenital Insensitivity to Pain with Anhidrosis. Identifiers: Orphanet 642, MedGen C0020074, MONDO:0009746, OMIM 256800.

Submissions (2):

Medical Molecular Genetics, National Research Centre
Classification: Likely pathogenic for Hereditary insensitivity to pain with anhidrosis. Last evaluated: 2026-04-28. Review status: criteria provided, single submitter. Criteria: ACMG Guidelines, 2015. Collection method: research. Allele origin: inherited. Affected: yes.
Comment: The p.(Phe600LeufsTer9) variant causes a frameshift starting at codon 600 and introduces a premature termination codon 9 amino acids downstream. The variant is predicted to result in loss of normal protein function.

Broad Center for Mendelian Genomics, Broad Institute of MIT and Harvard
Classification: Uncertain significance for Hereditary insensitivity to pain with anhidrosis. Last evaluated: 2023-01-25. Review status: criteria provided, single submitter. Criteria: ACMG Guidelines, 2015. Collection method: curation. Allele origin: germline. Inheritance: Autosomal recessive inheritance.
Comment: The homozygous p.Phe600LeufsTer9 variant in NTRK1 was identified by our study in two siblings with congenital insensitivity to pain with anhidrosis. The p.Phe600LeufsTer9 variant in NTRK1 has not been previously reported in individuals with congenital insensitivity to pain with anhidrosis. This variant was absent from large population studies. This variant is predicted to cause a frameshift, which alters the protein‚Äôs amino acid sequence beginning at position 600 and leads to a premature termination codon 9 amino acids downstream. This alteration is then predicted to lead to a truncated or absent protein. Loss of function of the NTRK gene is an established disease mechanism in congenital insensitivity to pain with anhidrosis. In summary, although additional studies are required to fully establish its clinical significance, this variant is likely pathogenic for autosomal recessive congenital insensitivity to pain with anhidrosis. ACMG/AMP Criteria applied: PVS1, PM2_Supporting (Richards 2015).

NM_002529.4(NTRK1):c.1796_1799dup (p.Phe600fs)

Gene: NTRK1 (neurotrophic receptor tyrosine kinase 1; plus strand). Cytogenetic location: 1q23.1.
Variant type: Duplication.
Coding change: c.1796_1799dup on transcript NM_002529.4 (MANE Select); coding-DNA positions 1796 to 1799, 4 bases duplicated (GCTT; older notation c.1796_1799dupGCTT).
Protein change: p.Phe600fs; shifts the reading frame from phenylalanine 600.
Molecular consequence: frameshift variant.
Genome position (GRCh38, 1-based): chr1:156,876,563-156,876,566, GCTT duplicated. VCF-style (leftmost placement, unchanged base first): chr1-156876562-C-CGCTT. GRCh37 (hg19) VCF-style: chr1-156846354-C-CGCTT.
Other names: NM_002529.4:c.1796_1799dup; c.1796_1799dup, p.Phe600Leufs (NM_001007204.1); c.1688_1691dup, p.Phe564fs (NM_001007792.1); c.1778_1781dup, p.Phe594fs (NM_001012331.2); short protein forms F564fs, F594fs, F600fs.
Identifiers: ClinVar variation 2412694 (VCV002412694.2), dbSNP rs2525644684, ClinGen allele CA658761350.